The following is an entry in ClinVar:

ClinVar aggregate classification (germline): Uncertain significance (1 of 4 stars; one submission).

Conditions:
Microcephaly, normal intelligence and immunodeficiency (NBS). Also called: Microcephaly with normal intelligence immunodeficiency and lymphoreticular malignancies; Nonsyndromal microcephaly autosomal recessive with normal intelligence; Seemanova syndrome 2; Immunodeficiency, microcephaly with normal intelligence; SEEMANOVA SYNDROME II; IMMUNODEFICIENCY, MICROCEPHALY, AND CHROMOSOMAL INSTABILITY. Identifiers: Orphanet 647, MedGen C0398791, MONDO:0009623, OMIM 251260.

Submission:

Labcorp Genetics (formerly Invitae), Labcorp
Classification: Uncertain significance for Microcephaly, normal intelligence and immunodeficiency. Last evaluated: 2019-12-31. Review status: criteria provided, single submitter. Criteria: Invitae Variant Classification Sherloc (09022015). Collection method: clinical testing. Allele origin: germline.
Comment: Algorithms developed to predict the effect of missense changes on protein structure and function output the following: SIFT: "Tolerated"; PolyPhen-2: "Benign"; Align-GVGD: "Class C0". The serine amino acid residue is found in multiple mammalian species, suggesting that this missense change does not adversely affect protein function. These predictions have not been confirmed by published functional studies and their clinical significance is uncertain. In summary, the available evidence is currently insufficient to determine the role of this variant in disease. Therefore, it has been classified as a Variant of Uncertain Significance. This variant is not present in population databases (ExAC no frequency). This sequence change replaces proline with serine at codon 437 of the NBN protein (p.Pro437Ser). The proline residue is highly conserved and there is a moderate physicochemical difference between proline and serine. This variant has not been reported in the literature in individuals with NBN-related conditions.

NM_002485.5(NBN):c.1309C>T (p.Pro437Ser)

Gene: NBN (nibrin; minus strand). Cytogenetic location: 8q21.3.
Variant type: single nucleotide variant.
Coding change: c.1309C>T on transcript NM_002485.5 (MANE Select); coding-DNA position 1309, C replaced by T.
Protein change: p.Pro437Ser; replaces proline 437 with serine.
Molecular consequence: missense variant.
Genome position (GRCh38, 1-based): chr8:89,955,371, G>A on the plus strand (C>T on the coding strand, the complement: NBN is on the minus strand). VCF-style: chr8-89955371-G-A. GRCh37 (hg19) VCF-style: chr8-90967599-G-A.
Other names: c.1063C>T, p.Pro355Ser (NM_001024688.3); short protein forms P355S, P437S.
Identifiers: ClinVar variation 842199 (VCV000842199.10), dbSNP rs1810656128, ClinGen allele CA371656146.
Genomic context (GRCh38, chr8:89,955,371, plus strand): 5'-TTCTGATGGAGTTGGTCTGCTGCTGCTGAGAAGCCCTATCTTTACTTTTATTTATACTTG[G>A]CAATTTAGTTGGTGAAAGCTGATAGTTTGGGATTCTCATCTTAGCCAAAGTATTTGATAC-3'
Protein context (NP_002476.2, residues 427-447): PNYQLSPTKL[Pro437Ser]SINKSKDRAS